The following is an entry in ClinVar:

ClinVar aggregate classification (germline): Uncertain significance (1 of 4 stars; one submission).

Conditions:
Hereditary cancer-predisposing syndrome. Also called: Neoplastic Syndromes, Hereditary; Tumor predisposition; Hereditary neoplastic syndrome; Hereditary Cancer Syndrome. Identifiers: Orphanet 140162, MedGen C0027672, MeSH D009386, MONDO:0015356.

Submission:

Ambry Genetics
Classification: Uncertain significance for Hereditary cancer-predisposing syndrome. Last evaluated: 2026-07-06. Review status: criteria provided, single submitter. Criteria: Ambry Variant Classification Scheme 2023. Collection method: clinical testing. Allele origin: germline.
Comment: The p.E203D variant (also known as c.609A>C), located in coding exon 3 of the TMEM127 gene, results from an A to C substitution at nucleotide position 609. The glutamic acid at codon 203 is replaced by aspartic acid, an amino acid with highly similar properties. This amino acid position is conserved. In addition, the in silico prediction for this alteration is inconclusive. Based on the available evidence, the clinical significance of this variant remains unclear.

NM_017849.4(TMEM127):c.609A>C (p.Glu203Asp)

Gene: TMEM127 (transmembrane protein 127; minus strand). Cytogenetic location: 2q11.2.
Variant type: single nucleotide variant.
Coding change: c.609A>C on transcript NM_017849.4 (MANE Select); coding-DNA position 609, A replaced by C.
Protein change: p.Glu203Asp; replaces glutamic acid 203 with aspartic acid.
Molecular consequence: missense variant.
Genome position (GRCh38, 1-based): chr2:96,253,916, T>G on the plus strand (A>C on the coding strand, the complement: TMEM127 is on the minus strand). VCF-style: chr2-96253916-T-G. GRCh37 (hg19) VCF-style: chr2-96919654-T-G.
Other names: c.609A>C, p.Glu203Asp (NM_001193304.3); c.357A>C, p.Glu119Asp (NM_001407282.1, NM_001407283.1); short protein forms E119D, E203D.
Identifiers: ClinVar variation 5030901 (VCV005030901.1).
Genomic context (GRCh38, chr2:96,253,916, plus strand): 5'-TTCCGCCGGGTAGGGCTCGTTCTCTTCCATCTCTGAGAGCAGCTCCAGCGCCTGCTCCTC[T>G]TCCTCTGTGGGGTAGTGGCGCAGGAGGTTGGCTGCCGTGGCCAGGATTGAGGCTCCACCA-3'
Protein context (NP_060319.1, residues 193-213): ANLLRHYPTE[Glu203Asp]EEQALELLSE